The following is an entry in ClinVar:

NM_005045.4(RELN):c.10210C>T (p.Arg3404Cys)

Genes: RELN (reelin; minus strand), SLC26A5-AS1 (SLC26A5 antisense RNA 1; plus strand). Cytogenetic location: 7q22.1.
Variant type: single nucleotide variant.
Coding change: c.10210C>T on transcript NM_005045.4 (MANE Select); coding-DNA position 10210, C replaced by T.
Protein change: p.Arg3404Cys; replaces arginine 3404 with cysteine.
Molecular consequence: missense variant.
Genome position (GRCh38, 1-based): chr7:103,482,943, G>A on the plus strand (C>T on the coding strand, the complement: RELN is on the minus strand). VCF-style: chr7-103482943-G-A. GRCh37 (hg19) VCF-style: chr7-103123390-G-A.
Other names: c.10210C>T, p.Arg3404Cys (NM_173054.3); short protein forms R3404C.
Identifiers: ClinVar variation 841644 (VCV000841644.11), dbSNP rs772932844, ClinGen allele CA4420014.

ClinVar aggregate classification (germline): Uncertain significance. Review status: criteria provided, multiple submitters, no conflicts (2 of 4 stars). 2 submissions from 2 submitters: Uncertain significance (2). Last evaluated 2024-04-08.

Conditions:
Familial temporal lobe epilepsy 7. Identifiers: Orphanet 101046, MedGen C4225327, MONDO:0014639, OMIM 616436.
Norman-Roberts syndrome (LIS2). Also called: Lissencephaly 2 (Norman-Roberts type). Identifiers: Orphanet 89844, MedGen C0796089, MONDO:0009760, OMIM 257320.

Allele frequency attached by ClinVar (database versions not stated): gnomAD exomes below 0.00001 and 0.00001; TOPMed below 0.00001; ExAC 0.00001; gnomAD 0.00001.
gnomAD v4.1: 7 of 1,613,980 alleles (0.00043%); highest among the groups gnomAD compares: African/African-American, 0.0027%; no homozygotes.

Submissions (2):

Labcorp Genetics (formerly Invitae), Labcorp
Classification: Uncertain significance for Familial temporal lobe epilepsy 7; Norman-Roberts syndrome. Last evaluated: 2024-04-08. Review status: criteria provided, single submitter. Criteria: Invitae Variant Classification Sherloc (09022015). Collection method: clinical testing. Allele origin: germline.
Comment: This sequence change replaces arginine, which is basic and polar, with cysteine, which is neutral and slightly polar, at codon 3404 of the RELN protein (p.Arg3404Cys). This variant is present in population databases (rs772932844, gnomAD 0.005%). This variant has not been reported in the literature in individuals affected with RELN-related conditions. ClinVar contains an entry for this variant (Variation ID: 841644). Advanced modeling of protein sequence and biophysical properties (such as structural, functional, and spatial information, amino acid conservation, physicochemical variation, residue mobility, and thermodynamic stability) has been performed at Invitae for this missense variant, however the output from this modeling did not meet the statistical confidence thresholds required to predict the impact of this variant on RELN protein function. In summary, the available evidence is currently insufficient to determine the role of this variant in disease. Therefore, it has been classified as a Variant of Uncertain Significance.

Juno Genomics, Hangzhou Juno Genomics, Inc
Classification: Uncertain significance for Familial temporal lobe epilepsy 7. Review status: criteria provided, single submitter. Criteria: ACMG Guidelines, 2015. Collection method: clinical testing. Allele origin: germline. Affected: yes.
Comment: Absent from controls (or at extremely low frequency if recessive) in Genome Aggregation Database, Exome Sequencing Project, 1000 Genomes Project, or Exome Aggregation Consortium.;Multiple lines of computational evidence support a deleterious effect on the gene or gene product (conservation, evolutionary, splicing impact, etc).;The prevalence of the variant in affected individuals is significantly increased compared to the prevalence in controls.